The following is an entry in ClinVar:

NM_032119.4(ADGRV1):c.1498G>A (p.Glu500Lys)

Gene: ADGRV1 (adhesion G protein-coupled receptor V1; plus strand). Cytogenetic location: 5q14.3.
Variant type: single nucleotide variant.
Coding change: c.1498G>A on transcript NM_032119.4 (MANE Select); coding-DNA position 1498, G replaced by A.
Protein change: p.Glu500Lys; replaces glutamic acid 500 with lysine.
Molecular consequence: missense variant. On other transcripts: non-coding transcript variant (1).
Genome position (GRCh38, 1-based): chr5:90,628,821, G>A. VCF-style: chr5-90628821-G-A. GRCh37 (hg19) VCF-style: chr5-89924638-G-A.
Other names: short protein forms E500K.
Identifiers: ClinVar variation 2305962 (VCV002305962.7), dbSNP rs375839872, ClinGen allele CA3338694.

ClinVar aggregate classification (germline): Conflicting classifications of pathogenicity. Review status: criteria provided, conflicting classifications (1 of 4 stars). 4 submissions from 4 submitters: Uncertain significance (3); Likely benign (1). Last evaluated 2026-06-11.

Conditions:
ADGRV1-related disorder. Also called: ADGRV1-related disorders; ADGRV1-related condition.
Inborn genetic diseases. Identifiers: MedGen C0950123, MeSH D030342.

Allele frequency attached by ClinVar (database versions not stated): ESP Exome Variant Server 0.00008; gnomAD exomes 0.00001; TOPMed 0.00001; ExAC 0.00005.
gnomAD v4.1: 16 of 1,613,790 alleles (0.00099%); highest among the groups gnomAD compares: East Asian, 0.0022%; no homozygotes.

Submissions (4):

PreventionGenetics, part of Exact Sciences
Classification: Uncertain significance for ADGRV1-related condition. Last evaluated: 2026-06-11. Review status: criteria provided, single submitter. Criteria: ACMG Guidelines, 2015. Collection method: clinical testing. Allele origin: germline.
Comment: The ADGRV1 c.1498G>A variant is predicted to result in the amino acid substitution p.Glu500Lys. To our knowledge, this variant has not been reported in the literature. This variant is reported in 0.017% of alleles in individuals of East Asian descent in gnomAD. At this time, the clinical significance of this variant is uncertain due to the absence of conclusive functional and genetic evidence.

Blueprint Genetics
Classification: Uncertain significance. Last evaluated: 2024-02-05. Review status: criteria provided, single submitter. Criteria: ACMG Guidelines, 2015. Collection method: clinical testing. Allele origin: germline.

Labcorp Genetics (formerly Invitae), Labcorp
Classification: Likely benign. Last evaluated: 2023-12-30. Review status: criteria provided, single submitter. Criteria: Invitae Variant Classification Sherloc (09022015). Collection method: clinical testing. Allele origin: germline.

Ambry Genetics
Classification: Uncertain significance for Inborn genetic diseases. Last evaluated: 2022-08-08. Review status: criteria provided, single submitter. Criteria: Ambry Variant Classification Scheme 2023. Collection method: clinical testing. Allele origin: germline.